The following is an entry in ClinVar:

NM_001165963.4(SCN1A):c.25C>A (p.Pro9Thr)

Gene: SCN1A (sodium voltage-gated channel alpha subunit 1; minus strand). Cytogenetic location: 2q24.3.
Variant type: single nucleotide variant.
Coding change: c.25C>A on transcript NM_001165963.4 (MANE Select); coding-DNA position 25, C replaced by A.
Protein change: p.Pro9Thr; replaces proline 9 with threonine.
Molecular consequence: missense variant. On other transcripts: 5 prime UTR variant (1), non-coding transcript variant (1).
Genome position (GRCh38, 1-based): chr2:166,073,597, G>T on the plus strand (C>A on the coding strand, the complement: SCN1A is on the minus strand). VCF-style: chr2-166073597-G-T. GRCh37 (hg19) VCF-style: chr2-166930107-G-T.
Other names: c.25C>A, p.Pro9Thr (NM_001165964.3, NM_001202435.3, NM_001353948.2 and 10 more transcripts); c.-2401C>A (NM_001353961.2); short protein forms P9T.
Identifiers: ClinVar variation 2413082 (VCV002413082.3), dbSNP rs757688309, ClinGen allele CA349243470.

ClinVar aggregate classification (germline): Uncertain significance (1 of 4 stars; one submission).

Submission:

GeneDx
Classification: Uncertain significance. Last evaluated: 2022-07-29. Review status: criteria provided, single submitter. Criteria: GeneDx Variant Classification Process June 2021. Collection method: clinical testing. Allele origin: germline. Affected: yes.
Comment: Not observed at significant frequency in large population cohorts (gnomAD); Missense variants in this gene are often considered pathogenic (HGMD); In silico analysis supports that this missense variant has a deleterious effect on protein structure/function; Has not been previously published as pathogenic or benign to our knowledge; This substitution is predicted to be within the N-terminal cytoplasmic domain